The following is an entry in ClinVar:

ClinVar aggregate classification (germline): Likely benign (1 of 4 stars; one submission).

Conditions:
Lafora disease. Also called: Epilepsy progressive myoclonic 2. Identifiers: Orphanet 501, MedGen C0751783, MONDO:0009697.

Allele frequency attached by ClinVar (database versions not stated): gnomAD 0.00071 and 0.00088; TOPMed 0.00090; 1000 Genomes Project 30x 0.00250; 1000 Genomes Project 0.00260.

Submission:

Illumina Laboratory Services, Illumina
Classification: Likely benign for Myoclonic epilepsy of Lafora 1. Last evaluated: 2018-01-13. Review status: criteria provided, single submitter. Criteria: ICSL Variant Classification Criteria 13 December 2019. Collection method: clinical testing. Allele origin: germline.
Comment: This variant was observed in the ICSL laboratory as part of a predisposition screen in an ostensibly healthy population. It had not been previously curated by ICSL or reported in the Human Gene Mutation Database (HGMD: prior to June 1st, 2018), and was therefore a candidate for classification through an automated scoring system. Utilizing variant allele frequency, disease prevalence and penetrance estimates, and inheritance mode, an automated score was calculated to assess if this variant is too frequent to cause the disease. Based on the score and internal cut-off values, a variant classified as likely benign is not then subjected to further curation. The score for this variant resulted in a classification of likely benign for this disease.

NM_198586.3(NHLRC1):c.*720T>C

Gene: NHLRC1 (NHL repeat containing E3 ubiquitin protein ligase 1; minus strand). Cytogenetic location: 6p22.3.
Variant type: single nucleotide variant.
Coding change: c.*720T>C on transcript NM_198586.3 (MANE Select); 720 bases downstream of the stop codon, T replaced by C.
Molecular consequence: 3 prime UTR variant.
Genome position (GRCh38, 1-based): chr6:18,120,699, A>G on the plus strand (T>C on the coding strand, the complement: NHLRC1 is on the minus strand). VCF-style: chr6-18120699-A-G. GRCh37 (hg19) VCF-style: chr6-18120930-A-G.
Identifiers: ClinVar variation 356060 (VCV000356060.5), dbSNP rs141863990, ClinGen allele CA10626296.